The following is an entry in ClinVar:

NM_004525.3(LRP2):c.1534C>A (p.Pro512Thr)

Gene: LRP2 (LDL receptor related protein 2; minus strand). Cytogenetic location: 2q31.1.
Variant type: single nucleotide variant.
Coding change: c.1534C>A on transcript NM_004525.3 (MANE Select); coding-DNA position 1534, C replaced by A.
Protein change: p.Pro512Thr; replaces proline 512 with threonine.
Molecular consequence: missense variant.
Genome position (GRCh38, 1-based): chr2:169,279,403, G>T on the plus strand (C>A on the coding strand, the complement: LRP2 is on the minus strand). VCF-style: chr2-169279403-G-T. GRCh37 (hg19) VCF-style: chr2-170135913-G-T.
Other names: c.1534C>A (NM_004525.2); short protein forms P512T.
Identifiers: ClinVar variation 1466574 (VCV001466574.6), dbSNP rs2105449439, ClinGen allele CA349147792.

ClinVar aggregate classification (germline): Uncertain significance. Review status: criteria provided, multiple submitters, no conflicts (2 of 4 stars). 2 submissions from 2 submitters: Uncertain significance (2). Last evaluated 2024-09-08.

Conditions:
Inborn genetic diseases. Identifiers: MedGen C0950123, MeSH D030342.

Submissions (2):

Ambry Genetics
Classification: Uncertain significance for Inborn genetic diseases. Last evaluated: 2024-09-08. Review status: criteria provided, single submitter. Criteria: Ambry Variant Classification Scheme 2023. Collection method: clinical testing. Allele origin: germline.

Labcorp Genetics (formerly Invitae), Labcorp
Classification: Uncertain significance. Last evaluated: 2021-09-24. Review status: criteria provided, single submitter. Criteria: Invitae Variant Classification Sherloc (09022015). Collection method: clinical testing. Allele origin: germline.
Comment: This sequence change replaces proline with threonine at codon 512 of the LRP2 protein (p.Pro512Thr). The proline residue is highly conserved and there is a small physicochemical difference between proline and threonine. This variant is not present in population databases (ExAC no frequency). This variant has not been reported in the literature in individuals with LRP2-related conditions. Advanced modeling of protein sequence and biophysical properties (such as structural, functional, and spatial information, amino acid conservation, physicochemical variation, residue mobility, and thermodynamic stability) performed at Invitae indicates that this missense variant is expected to disrupt LRP2 protein function. In summary, the available evidence is currently insufficient to determine the role of this variant in disease. Therefore, it has been classified as a Variant of Uncertain Significance.